The following is an entry in ClinVar:

ClinVar aggregate classification (germline): Uncertain significance. Review status: criteria provided, multiple submitters, no conflicts (2 of 4 stars). 3 submissions from 3 submitters: Uncertain significance (3). Last evaluated 2024-04-22.

Conditions:
Microcephaly, normal intelligence and immunodeficiency (NBS). Also called: Nijmegen breakage syndrome; Microcephaly with normal intelligence immunodeficiency and lymphoreticular malignancies; Nonsyndromal microcephaly autosomal recessive with normal intelligence; Seemanova syndrome 2; Immunodeficiency, microcephaly with normal intelligence; Ataxia telangiectasia variant V1. Identifiers: Orphanet 647, MedGen C0398791, MONDO:0009623, OMIM 251260.
Hereditary cancer-predisposing syndrome. Also called: Hereditary Cancer Syndrome; Neoplastic Syndromes, Hereditary; Hereditary neoplastic syndrome; Tumor predisposition. Identifiers: Orphanet 140162, MedGen C0027672, MeSH D009386, MONDO:0015356.

Allele frequency attached by ClinVar (database versions not stated): gnomAD exomes below 0.00001; TOPMed below 0.00001; gnomAD 0.00001.

Submissions (3):

Labcorp Genetics (formerly Invitae), Labcorp
Classification: Uncertain significance for Microcephaly, normal intelligence and immunodeficiency. Last evaluated: 2024-04-22. Review status: criteria provided, single submitter. Criteria: Invitae Variant Classification Sherloc (09022015). Collection method: clinical testing. Allele origin: germline.
Comment: This sequence change replaces isoleucine, which is neutral and non-polar, with valine, which is neutral and non-polar, at codon 293 of the NBN protein (p.Ile293Val). This variant is not present in population databases (gnomAD no frequency). This variant has not been reported in the literature in individuals affected with NBN-related conditions. ClinVar contains an entry for this variant (Variation ID: 822725). Algorithms developed to predict the effect of missense changes on protein structure and function output the following: SIFT: "Not Available"; PolyPhen-2: "Benign"; Align-GVGD: "Not Available". The valine amino acid residue is found in multiple mammalian species, which suggests that this missense change does not adversely affect protein function. In summary, the available evidence is currently insufficient to determine the role of this variant in disease. Therefore, it has been classified as a Variant of Uncertain Significance.

Ambry Genetics
Classification: Uncertain significance for Hereditary cancer-predisposing syndrome. Last evaluated: 2022-01-07. Review status: criteria provided, single submitter. Criteria: Ambry Variant Classification Scheme 2023. Collection method: clinical testing. Allele origin: germline.
Comment: The p.I293V variant (also known as c.877A>G), located in coding exon 7 of the NBN gene, results from an A to G substitution at nucleotide position 877. The isoleucine at codon 293 is replaced by valine, an amino acid with highly similar properties. This amino acid position is well conserved in available vertebrate species. In addition, this alteration is predicted to be tolerated by in silico analysis. Since supporting evidence is limited at this time, the clinical significance of this alteration remains unclear.

Genome-Nilou Lab
Classification: Uncertain significance for Microcephaly, normal intelligence and immunodeficiency. Last evaluated: 2021-11-07. Review status: criteria provided, single submitter. Criteria: ACMG Guidelines, 2015. Collection method: clinical testing. Allele origin: germline. Affected: no.

NM_002485.5(NBN):c.877A>G (p.Ile293Val)

Gene: NBN (nibrin; minus strand). Cytogenetic location: 8q21.3.
Variant type: single nucleotide variant.
Coding change: c.877A>G on transcript NM_002485.5 (MANE Select); coding-DNA position 877, A replaced by G.
Protein change: p.Ile293Val; replaces isoleucine 293 with valine.
Molecular consequence: missense variant.
Genome position (GRCh38, 1-based): chr8:89,970,383, T>C on the plus strand (A>G on the coding strand, the complement: NBN is on the minus strand). VCF-style: chr8-89970383-T-C. GRCh37 (hg19) VCF-style: chr8-90982611-T-C.
Other names: c.631A>G, p.Ile211Val (NM_001024688.3); short protein forms I211V, I293V.
Identifiers: ClinVar variation 822725 (VCV000822725.15), dbSNP rs1283506577, ClinGen allele CA371658260.